The following is an entry in ClinVar:

ClinVar aggregate classification (germline): Pathogenic (1 of 4 stars; one submission).

Conditions:
Recessive dystrophic epidermolysis bullosa (RDEB). Also called: DYSTROPHIC EPIDERMOLYSIS BULLOSA, AUTOSOMAL RECESSIVE; EPIDERMOLYSIS BULLOSA DYSTROPHICA, HALLOPEAU-SIEMENS TYPE; Hallopeau-Siemens Disease; EPIDERMOLYSIS BULLOSA DYSTROPHICA, GENERALIZED SEVERE, AUTOSOMAL RECESSIVE; epidermolysis bullosa dystrophica, autosomal recessive; Recessive DEB (RDEB). Identifiers: Orphanet 79408, Orphanet 79409, MedGen C0079474, MONDO:0009179, OMIM 226600.

Submission:

Victorian Clinical Genetics Services, Murdoch Childrens Research Institute
Classification: Pathogenic for Recessive dystrophic epidermolysis bullosa. Last evaluated: 2023-07-16. Review status: criteria provided, single submitter. Criteria: ACMG Guidelines, 2015. Collection method: clinical testing. Allele origin: germline. Inheritance: Autosomal recessive inheritance. Affected: yes.
Comment: Based on the classification scheme VCGS_Germline_v1.3.4, this variant is classified as Pathogenic. Following criteria are met: 0103 - Dominant negative and loss of function are known mechanisms of disease in this gene and are associated with dystrophic epidermolysis bullosa (DEB) (OMIM, PMID: 31670143). (I) 0108 - This gene is associated with both recessive and dominant disease. The spectrum of DEB associated with this gene can be either dominant or recessive. Dominant inheritance (DDEB; MIM#131750) is typically associated with milder phenotypes, whereas recessive inheritance (RDEB; MIM#226600) is usually observed in more severe cases (OMIM). (I) 0115 - Variants in this gene are known to have variable expressivity. Severity ranges from involving only nails to generalized and severe blistering and scarring (PMID: 31670143). (I) 0200 - Variant is predicted to result in a missense amino acid change from glycine to serine. (I) 0251 - This variant is heterozygous. (I) 0301 - Variant is absent from gnomAD (both v2 and v3). (SP) 0501 - Missense variant consistently predicted to be damaging by multiple in silico tools or highly conserved with a major amino acid change. (SP) 0601 - Variant is located in the well-established functional Gly-X-Y motif within triple helix domain, and affects a glycine residue (DECIPHER, PMID: 32506467). (SP) 0704 - Another missense variant comparable to the one identified in this case has limited previous evidence for pathogenicity. The p.(Gly2239Asp) variant has been reported in an individual with autosomal dominant DEB (PMID: 23688405). (SP) 0803 - This variant has limited previous evidence of pathogenicity in an unrelated individual. (SP) 0905 - No published segregation evidence has been identified for this variant. (I) 1007 - No published functional evidence has been identified for this variant. (I) 1101 - Very strong and specific phenotype match for this individual. (SP) 1204 - Heterozygous variant detected in trans with a second pathogenic heterozygous variant (NM_000094.3(COL7A1):c.1452_1453delCT; p.(Tyr485Hisfs*63)) in a recessive disease. (I) Legend: (SP) - Supporting pathogenic, (I) - Information, (SB) - Supporting benign

Literature cited by the submitters: PubMed 23688405; PubMed 31670143; PubMed 32506467.

NM_000094.4(COL7A1):c.6715G>A (p.Gly2239Ser)

Gene: COL7A1 (collagen type VII alpha 1 chain; minus strand). Cytogenetic location: 3p21.31.
Variant type: single nucleotide variant.
Coding change: c.6715G>A on transcript NM_000094.4 (MANE Select); coding-DNA position 6715, G replaced by A.
Protein change: p.Gly2239Ser; replaces glycine 2239 with serine.
Molecular consequence: missense variant.
Genome position (GRCh38, 1-based): chr3:48,573,056, C>T on the plus strand (G>A on the coding strand, the complement: COL7A1 is on the minus strand). VCF-style: chr3-48573056-C-T. GRCh37 (hg19) VCF-style: chr3-48610489-C-T.
Other names: short protein forms G2239S.
Identifiers: ClinVar variation 3377001 (VCV003377001.1).